The following is an entry in ClinVar:

ClinVar aggregate classification (germline): Uncertain significance (1 of 4 stars; one submission).

Submission:

Labcorp Genetics (formerly Invitae), Labcorp
Classification: Uncertain significance. Last evaluated: 2022-11-08. Review status: criteria provided, single submitter. Criteria: Invitae Variant Classification Sherloc (09022015). Collection method: clinical testing. Allele origin: germline.
Comment: In summary, the available evidence is currently insufficient to determine the role of this variant in disease. Therefore, it has been classified as a Variant of Uncertain Significance. Advanced modeling of protein sequence and biophysical properties (such as structural, functional, and spatial information, amino acid conservation, physicochemical variation, residue mobility, and thermodynamic stability) performed at Invitae indicates that this missense variant is not expected to disrupt SEPT9 protein function. This variant has not been reported in the literature in individuals affected with SEPT9-related conditions. This variant is not present in population databases (gnomAD no frequency). This sequence change replaces glutamic acid, which is acidic and polar, with aspartic acid, which is acidic and polar, at codon 102 of the SEPT9 protein (p.Glu102Asp).

NM_001113491.2(SEPTIN9):c.360G>C (p.Glu120Asp)

Gene: SEPTIN9 (septin 9; plus strand). Cytogenetic location: 17q25.3.
Variant type: single nucleotide variant.
Coding change: c.360G>C on transcript NM_001113491.2 (MANE Select); coding-DNA position 360, G replaced by C.
Protein change: p.Glu120Asp; replaces glutamic acid 120 with aspartic acid.
Molecular consequence: missense variant. On other transcripts: 5 prime UTR variant (2).
Genome position (GRCh38, 1-based): chr17:77,402,342, G>C. VCF-style: chr17-77402342-G-C. GRCh37 (hg19) VCF-style: chr17-75398424-G-C.
Other names: c.-133G>C (NM_001113492.2, NM_001113494.1); c.339G>C, p.Glu113Asp (NM_001113493.2); c.303G>C, p.Glu101Asp (NM_001293695.2); c.306G>C, p.Glu102Asp (NM_006640.5); short protein forms E120D, E101D, E102D, E113D.
Identifiers: ClinVar variation 2812761 (VCV002812761.3), dbSNP rs2509884422, ClinGen allele CA401206012.